The following is an entry in ClinVar:

ClinVar aggregate classification (germline): Pathogenic. Review status: criteria provided, multiple submitters, no conflicts (2 of 4 stars). 2 submissions from 2 submitters: Pathogenic (2). Last evaluated 2021-06-23.

Conditions:
Early-infantile DEE. Also called: Early infantile epileptic encephalopathy; Ohtahara syndrome; Early infantile epileptic encephalopathy with suppression bursts. Identifiers: Orphanet 1934, MedGen C0393706, MONDO:0800491.
Severe myoclonic epilepsy in infancy (DRVT). Also called: Epileptic encephalopathy, early infantile, 6 (Dravet syndrome); SEVERE MYOCLONIC EPILEPSY OF INFANCY; DEVELOPMENTAL AND EPILEPTIC ENCEPHALOPATHY 6A; Severe Myoclonic Epilepsy in Infancy (SMEI); Dravet syndrome. Identifiers: Orphanet 33069, MedGen C0751122, MONDO:0100135, OMIM 607208.

Submissions (2):

Labcorp Genetics (formerly Invitae), Labcorp
Classification: Pathogenic for Early-infantile DEE. Last evaluated: 2021-06-23. Review status: criteria provided, single submitter. Criteria: Invitae Variant Classification Sherloc (09022015). Collection method: clinical testing. Allele origin: germline.
Comment: This sequence change affects a donor splice site in intron 4 of the SCN1A gene. It is expected to disrupt RNA splicing. Variants that disrupt the donor or acceptor splice site typically lead to a loss of protein function (PMID: 16199547), and loss-of-function variants in SCN1A are known to be pathogenic (PMID: 17347258, 18930999). This variant is not present in population databases (ExAC no frequency). Disruption of this splice site has been observed in individual(s) with Dravet syndrome (PMID: 18930999). In at least one individual the variant was observed to be de novo. ClinVar contains an entry for this variant (Variation ID: 189997). Algorithms developed to predict the effect of sequence changes on RNA splicing suggest that this variant may disrupt the consensus splice site. For these reasons, this variant has been classified as Pathogenic.

Center for Bioinformatics, Peking University
Classification: Pathogenic for Dravet syndrome. Last evaluated: 2014-12-20. Review status: criteria provided, single submitter. Criteria: Xu et al. (Hum Mutat. 2015). Collection method: research. Allele origin: de novo. Affected: yes. Observed: 1 variant allele. Study: University Clinical Cooperation “985 Project” PKU-2014-1-1.
Comment: Dravet syndrome (DS) probands were recruited from the outpatient and inpatient child neurology units of Peking University First Hospital from 2005 till present. The study was approved by the Ethics Committee of Peking University First Hospital and the Institutional Review Board at Peking University. Participants or their parents provided written informed consent before enrollment. We collected a total of 267 mutations from 255 families with probands diagnosed with DS in China. All probands fulfilled the clinical diagnostic criteria.

Literature cited by the submitters: PubMed 16199547 (cited by Labcorp Genetics (formerly Invitae), Labcorp); PubMed 17347258 (cited by Labcorp Genetics (formerly Invitae), Labcorp); PubMed 18930999 (cited by Labcorp Genetics (formerly Invitae), Labcorp).

NM_001165963.4(SCN1A):c.602+1G>T

Gene: SCN1A (sodium voltage-gated channel alpha subunit 1; minus strand). Cytogenetic location: 2q24.3.
Variant type: single nucleotide variant.
Coding change: c.602+1G>T on transcript NM_001165963.4 (MANE Select); the canonical splice donor site of the intron after coding-DNA position 602, G replaced by T.
Molecular consequence: splice donor variant.
Genome position (GRCh38, 1-based): chr2:166,054,637, C>A on the plus strand (G>T on the coding strand, the complement: SCN1A is on the minus strand). VCF-style: chr2-166054637-C-A. GRCh37 (hg19) VCF-style: chr2-166911147-C-A.
Other names: c.602+1G>T (NM_001353949.2, NM_001353958.2, NM_001353950.2 and 10 more transcripts); c.-1824+1G>T (NM_001353961.2).
Identifiers: ClinVar variation 189997 (VCV000189997.8), dbSNP rs794726827, ClinGen allele CA303510.